The following is an entry in ClinVar:

NM_024503.5(HIVEP3):c.5464G>A (p.Glu1822Lys)

Gene: HIVEP3 (HIVEP zinc finger 3; minus strand). Cytogenetic location: 1p34.2.
Variant type: single nucleotide variant.
Coding change: c.5464G>A on transcript NM_024503.5 (MANE Select); coding-DNA position 5464, G replaced by A.
Protein change: p.Glu1822Lys; replaces glutamic acid 1822 with lysine.
Molecular consequence: missense variant.
Genome position (GRCh38, 1-based): chr1:41,518,408, C>T on the plus strand (G>A on the coding strand, the complement: HIVEP3 is on the minus strand). VCF-style: chr1-41518408-C-T. GRCh37 (hg19) VCF-style: chr1-41984079-C-T.
Other names: c.5464G>A, p.Glu1822Lys (NM_001127714.3); short protein forms E1822K.
Identifiers: ClinVar variation 3052763 (VCV003052763.2), dbSNP rs149032863, ClinGen allele CA797463.

ClinVar aggregate classification (germline): Likely benign (0 of 4 stars; one submission).

Conditions:
HIVEP3-related disorder. Also called: HIVEP3-related condition.

Allele frequency attached by ClinVar (database versions not stated): ExAC 0.00036; ESP Exome Variant Server 0.00092; gnomAD 0.00092; 1000 Genomes Project 0.00140; 1000 Genomes Project 30x 0.00141.
gnomAD v4.1: 336 of 1,613,996 alleles (0.021%); highest among the groups gnomAD compares: African/African-American, 0.36%; 1 homozygote.

Submission:

PreventionGenetics, part of Exact Sciences
Classification: Likely benign for HIVEP3-related condition. Last evaluated: 2022-03-09. Review status: no assertion criteria provided. Collection method: clinical testing. Allele origin: germline.
Comment: This variant is classified as likely benign based on ACMG/AMP sequence variant interpretation guidelines (Richards et al. 2015 PMID: 25741868, with internal and published modifications).